The following is an entry in ClinVar:

NM_001040108.2(MLH3):c.2644G>A (p.Gly882Ser)

Gene: MLH3 (mutL homolog 3; minus strand). Cytogenetic location: 14q24.3.
Variant type: single nucleotide variant.
Coding change: c.2644G>A on transcript NM_001040108.2 (MANE Select); coding-DNA position 2644, G replaced by A.
Protein change: p.Gly882Ser; replaces glycine 882 with serine.
Molecular consequence: missense variant.
Genome position (GRCh38, 1-based): chr14:75,047,012, C>T on the plus strand (G>A on the coding strand, the complement: MLH3 is on the minus strand). VCF-style: chr14-75047012-C-T. GRCh37 (hg19) VCF-style: chr14-75513715-C-T.
Other names: c.2644G>A, p.Gly882Ser (NM_014381.3); short protein forms G882S.
Identifiers: ClinVar variation 1794227 (VCV001794227.3), dbSNP rs372175165, ClinGen allele CA390439263.

ClinVar aggregate classification (germline): Uncertain significance (1 of 4 stars; one submission).

gnomAD v4.1: 1 of 1,614,118 alleles (0.000062%); highest among the groups gnomAD compares: Non-Finnish European, 0.000085%; no homozygotes.

Submission:

Ambry Genetics
Classification: Uncertain significance. Last evaluated: 2025-04-08. Review status: criteria provided, single submitter. Criteria: Ambry Variant Classification Scheme 2023. Collection method: clinical testing. Allele origin: germline.
Comment: The p.G882S variant (also known as c.2644G>A), located in coding exon 1 of the MLH3 gene, results from a G to A substitution at nucleotide position 2644. The glycine at codon 882 is replaced by serine, an amino acid with similar properties. This amino acid position is conserved. In addition, this alteration is predicted to be tolerated by in silico analysis. Since supporting evidence is limited at this time, the clinical significance of this alteration remains unclear.